The following is an entry in ClinVar:

ClinVar aggregate classification (germline): Uncertain significance (1 of 4 stars; one submission).

gnomAD v4.1: 1 of 1,611,914 alleles (0.000062%); highest among the groups gnomAD compares: Non-Finnish European, 0.000085%; no homozygotes.

Submission:

GeneDx
Classification: Uncertain significance. Last evaluated: 2023-02-27. Review status: criteria provided, single submitter. Criteria: GeneDx Variant Classification Process June 2021. Collection method: clinical testing. Allele origin: germline. Affected: yes.
Comment: Variants in candidate genes are classified as variants of uncertain significance in accordance with ACMG guidelines (Richards et al., 2015); Not observed at significant frequency in large population cohorts (gnomAD); In silico analysis supports that this missense variant has a deleterious effect on protein structure/function; Has not been previously published as pathogenic or benign to our knowledge

NM_014974.3(DIP2C):c.2498C>T (p.Thr833Ile)

Gene: DIP2C (disco interacting protein 2 homolog C; minus strand). Cytogenetic location: 10p15.3.
Variant type: single nucleotide variant.
Coding change: c.2498C>T on transcript NM_014974.3 (MANE Select); coding-DNA position 2498, C replaced by T.
Protein change: p.Thr833Ile; replaces threonine 833 with isoleucine.
Molecular consequence: missense variant.
Genome position (GRCh38, 1-based): chr10:363,291, G>A on the plus strand (C>T on the coding strand, the complement: DIP2C is on the minus strand). VCF-style: chr10-363291-G-A. GRCh37 (hg19) VCF-style: chr10-409231-G-A.
Other names: short protein forms T833I.
Identifiers: ClinVar variation 3342828 (VCV003342828.1).
Genomic context (GRCh38, chr10:363,291, plus strand): 5'-TCTTCCGTGGAGTCAGGCCTCTGCTCAGCCACGATCACGATCCTCTCGTCGTGCAGCACG[G>A]TCACCGAGAACACGGCTATCCTGCGGGGACACAGGAGCATGGTGAGCACGCGCCGGGGAC-3'
Protein context (NP_055789.1, residues 823-843): YRGRIAVFSV[Thr833Ile]VLHDERIVIV